The following is an entry in ClinVar:

NM_004370.6(COL12A1):c.8319+5G>A

Gene: COL12A1 (collagen type XII alpha 1 chain; minus strand). Cytogenetic location: 6q13.
Variant type: single nucleotide variant.
Coding change: c.8319+5G>A on transcript NM_004370.6 (MANE Select); 5 bases into the intron after coding-DNA position 8319, G replaced by A.
Molecular consequence: intron variant.
Genome position (GRCh38, 1-based): chr6:75,103,752, C>T on the plus strand (G>A on the coding strand, the complement: COL12A1 is on the minus strand). VCF-style: chr6-75103752-C-T. GRCh37 (hg19) VCF-style: chr6-75813468-C-T.
Other names: NM_080645.3:c.4827+5G>A; c.4827+5G>A (NM_080645.3).
Identifiers: ClinVar variation 2500854 (VCV002500854.1), dbSNP rs2533110049, ClinGen allele CA2573332125.

ClinVar aggregate classification (germline): Uncertain significance (1 of 4 stars; one submission).

Conditions:
Bethlem myopathy 2 (BTHLM2). Identifiers: Orphanet 536516, Orphanet 610, MedGen C4225313, MONDO:0034022, OMIM 616471.

Submission:

Broad Center for Mendelian Genomics, Broad Institute of MIT and Harvard
Classification: Uncertain significance for Bethlem myopathy 2. Last evaluated: 2023-05-02. Review status: criteria provided, single submitter. Criteria: ACMG Guidelines, 2015. Collection method: curation. Allele origin: germline. Inheritance: Autosomal dominant inheritance.
Comment: Trio exome analysis showed this variant to be de novo. The c.8319+5G>A variant in COL12A1 has not been previously reported in individuals with Bethlem myopathy 2. This variant was absent from large population studies. In vitro functional studies provide some evidence that the c.8319+5G>A variant may impact protein function, with mini-gene assay in cultured cells showing evidence of altered splicing. However, these types of assays may not accurately represent biological function. This variant is located in the 5' splice region. Computational tools do suggest an impact to splicing. However, this information is not predictive enough to determine pathogenicity. In summary, while there is some suspicion for a pathogenic role, the clinical significance of this variant is uncertain. ACMG/AMP Criteria applied: PS2_Moderate, PS3_Supporting, PM2_Supporting (Richards 2015).